The following is an entry in ClinVar:

NM_000257.4(MYH7):c.1969A>C (p.Lys657Gln)

Gene: MYH7 (myosin heavy chain 7; minus strand). Cytogenetic location: 14q11.2.
Variant type: single nucleotide variant.
Coding change: c.1969A>C on transcript NM_000257.4 (MANE Select); coding-DNA position 1969, A replaced by C.
Protein change: p.Lys657Gln; replaces lysine 657 with glutamine.
Molecular consequence: missense variant.
Genome position (GRCh38, 1-based): chr14:23,426,852, T>G on the plus strand (A>C on the coding strand, the complement: MYH7 is on the minus strand). VCF-style: chr14-23426852-T-G. GRCh37 (hg19) VCF-style: chr14-23896061-T-G.
Other names: short protein forms K657Q.
Identifiers: ClinVar variation 164351 (VCV000164351.13), dbSNP rs727503264, ClinGen allele CA011527.
Genomic context (GRCh38, chr14:23,426,852, plus strand): 5'-CATTAGGGATGATACAACGTACAAAGTGGGGATGGGTGGAGCGCAAGTTGGTCATCAGCT[T>G]GTTCAGATTTTCCTGTGGCCAAAAATGCAATAGAGAAAAGTAAAGAAAATGCCAGAAAGA-3'
Protein context (NP_000248.2, residues 647-667): VSALHRENLN[Lys657Gln]LMTNLRSTHP

ClinVar aggregate classification (germline): Likely pathogenic. Review status: criteria provided, multiple submitters, no conflicts (2 of 4 stars). 2 submissions from 2 submitters: Likely pathogenic (2). Last evaluated 2022-11-29.

Conditions:
Hypertrophic cardiomyopathy. Also called: HYPERTROPHIC MYOCARDIOPATHY. Identifiers: Orphanet 217569, MedGen C0007194, MeSH D002312, MONDO:0005045, HP:0001639.

Submissions (2):

Labcorp Genetics (formerly Invitae), Labcorp
Classification: Likely pathogenic for Hypertrophic cardiomyopathy. Last evaluated: 2022-11-29. Review status: criteria provided, single submitter. Criteria: Invitae Variant Classification Sherloc (09022015). Collection method: clinical testing. Allele origin: germline.
Comment: In summary, the currently available evidence indicates that the variant is pathogenic, but additional data are needed to prove that conclusively. Therefore, this variant has been classified as Likely Pathogenic. Advanced modeling of protein sequence and biophysical properties (such as structural, functional, and spatial information, amino acid conservation, physicochemical variation, residue mobility, and thermodynamic stability) performed at Invitae indicates that this missense variant is expected to disrupt MYH7 protein function. ClinVar contains an entry for this variant (Variation ID: 164351). This missense change has been observed in individual(s) with hypertrophic cardiomyopathy (PMID: 26337809, 27532257). It has also been observed to segregate with disease in related individuals. This variant is not present in population databases (gnomAD no frequency). This sequence change replaces lysine, which is basic and polar, with glutamine, which is neutral and polar, at codon 657 of the MYH7 protein (p.Lys657Gln).

Laboratory for Molecular Medicine, Mass General Brigham Personalized Medicine
Classification: Likely pathogenic for Hypertrophic cardiomyopathy. Last evaluated: 2013-11-15. Review status: criteria provided, single submitter. Criteria: LMM Criteria. Collection method: clinical testing. Allele origin: germline. Inheritance: Autosomal dominant inheritance. Observed: 4 variant alleles.
Comment: It has not been identi fied in large population studies. Lysine (Lys) at position 657 is highly conserv ed in mammals and across evolutionarily distant species and the change to glutam ine (Gln) was predicted to be pathogenic using a computational tool clinically v alidated by our laboratory. This tool's pathogenic prediction is estimated to be correct 94% of the time (Jordan 2011). In summary, this variant is likely to be pathogenic, though additional studies are required to fully establish its clini cal significance.

Literature cited by the submitters: PubMed 26337809 (cited by Labcorp Genetics (formerly Invitae), Labcorp); PubMed 27532257 (cited by Labcorp Genetics (formerly Invitae), Labcorp).